The following is an entry in ClinVar:

NM_001166108.2(PALLD):c.836G>C (p.Ser279Thr)

Gene: PALLD (palladin, cytoskeletal associated protein; plus strand). Cytogenetic location: 4q32.3.
Variant type: single nucleotide variant.
Coding change: c.836G>C on transcript NM_001166108.2 (MANE Select); coding-DNA position 836, G replaced by C.
Protein change: p.Ser279Thr; replaces serine 279 with threonine.
Molecular consequence: missense variant.
Genome position (GRCh38, 1-based): chr4:168,512,340, G>C. VCF-style: chr4-168512340-G-C. GRCh37 (hg19) VCF-style: chr4-169433491-G-C.
Other names: c.836G>C, p.Ser279Thr (NM_016081.4); short protein forms S279T.
Identifiers: ClinVar variation 348034 (VCV000348034.9), dbSNP rs886059209, ClinGen allele CA10620468.

ClinVar aggregate classification (germline): Uncertain significance. Review status: criteria provided, multiple submitters, no conflicts (2 of 4 stars). 3 submissions from 3 submitters: Uncertain significance (3). Last evaluated 2024-09-21.

Conditions:
Pancreatic cancer, susceptibility to, 1. Identifiers: Orphanet 1333, MedGen C1847351, MONDO:0011739, OMIM 606856.

Allele frequency attached by ClinVar (database versions not stated): gnomAD 0.00001; gnomAD exomes 0.00001; TOPMed 0.00003.
gnomAD v4.1: 57 of 1,614,024 alleles (0.0035%); highest among the groups gnomAD compares: Non-Finnish European, 0.0046%; no homozygotes.

Submissions (3):

Ambry Genetics
Classification: Uncertain significance. Last evaluated: 2024-09-21. Review status: criteria provided, single submitter. Criteria: Ambry Variant Classification Scheme 2023. Collection method: clinical testing. Allele origin: germline.
Comment: The p.S279T variant (also known as c.836G>C), located in coding exon 1 of the PALLD gene, results from a G to C substitution at nucleotide position 836. The serine at codon 279 is replaced by threonine, an amino acid with similar properties. This amino acid position is conserved. In addition, this alteration is predicted to be tolerated by in silico analysis. Since supporting evidence is limited at this time, the clinical significance of this alteration remains unclear.

Fulgent Genetics
Classification: Uncertain significance for Pancreatic cancer, susceptibility to, 1. Last evaluated: 2024-04-24. Review status: criteria provided, single submitter. Criteria: ACMG Guidelines, 2015. Collection method: clinical testing. Allele origin: germline.

Illumina Laboratory Services, Illumina
Classification: Uncertain significance for Pancreatic cancer, susceptibility to, 1. Last evaluated: 2018-01-12. Review status: criteria provided, single submitter. Criteria: ICSL Variant Classification Criteria 13 December 2019. Collection method: clinical testing. Allele origin: germline.